The following is an entry in ClinVar:

NM_198586.3(NHLRC1):c.809C>A (p.Ser270Tyr)

Gene: NHLRC1 (NHL repeat containing E3 ubiquitin protein ligase 1; minus strand). Cytogenetic location: 6p22.3.
Variant type: single nucleotide variant.
Coding change: c.809C>A on transcript NM_198586.3 (MANE Select); coding-DNA position 809, C replaced by A.
Protein change: p.Ser270Tyr; replaces serine 270 with tyrosine.
Molecular consequence: missense variant.
Genome position (GRCh38, 1-based): chr6:18,121,798, G>T on the plus strand (C>A on the coding strand, the complement: NHLRC1 is on the minus strand). VCF-style: chr6-18121798-G-T. GRCh37 (hg19) VCF-style: chr6-18122029-G-T.
Other names: short protein forms S270Y.
Identifiers: ClinVar variation 1494505 (VCV001494505.8), dbSNP rs2150702863, ClinGen allele CA362826047.

ClinVar aggregate classification (germline): Uncertain significance (1 of 4 stars; one submission).

Conditions:
Lafora disease. Also called: Epilepsy progressive myoclonic 2; Progressive Myoclonus Epilepsy, Lafora Type. Identifiers: Orphanet 501, MedGen C0751783, MONDO:0009697.

Submission:

Labcorp Genetics (formerly Invitae), Labcorp
Classification: Uncertain significance for Lafora disease. Last evaluated: 2020-10-28. Review status: criteria provided, single submitter. Criteria: Invitae Variant Classification Sherloc (09022015). Collection method: clinical testing. Allele origin: germline.
Comment: In summary, the available evidence is currently insufficient to determine the role of this variant in disease. Therefore, it has been classified as a Variant of Uncertain Significance. Algorithms developed to predict the effect of missense changes on protein structure and function are either unavailable or do not agree on the potential impact of this missense change (SIFT: "Tolerated"; PolyPhen-2: "Possibly Damaging"; Align-GVGD: "Class C15"). This variant has not been reported in the literature in individuals with NHLRC1-related conditions. This variant is not present in population databases (ExAC no frequency). This sequence change replaces serine with tyrosine at codon 270 of the NHLRC1 protein (p.Ser270Tyr). The serine residue is highly conserved and there is a large physicochemical difference between serine and tyrosine.